The following is an entry in ClinVar:

ClinVar aggregate classification (germline): Conflicting classifications of pathogenicity. Review status: criteria provided, conflicting classifications (1 of 4 stars). 3 submissions from 3 submitters: Uncertain significance (1); Likely benign (2). Last evaluated 2025-03-19.

Conditions:
Developmental and epileptic encephalopathy, 25 (DEE25). Also called: Epileptic encephalopathy, early infantile, 25; Developmental and epileptic encephalopathy 25, with amelogenesis imperfecta; Epileptic encephalopathy, early infantile, 25, with amelogenesis imperfecta. Identifiers: Orphanet 442835, MedGen C4014621, MONDO:0014392, OMIM 615905.
SLC13A5-related disorder. Also called: SLC13A5-related condition.

Allele frequency attached by ClinVar (database versions not stated): ESP Exome Variant Server 0.00008.
gnomAD v4.1: 41 of 1,613,884 alleles (0.0025%); highest among the groups gnomAD compares: Middle Eastern, 0.016%; no homozygotes.

Submissions (3):

PreventionGenetics, part of Exact Sciences
Classification: Uncertain significance for SLC13A5-related condition. Last evaluated: 2025-03-19. Review status: criteria provided, single submitter. Criteria: ACMG Guidelines, 2015. Collection method: clinical testing. Allele origin: germline.
Comment: The SLC13A5 c.1248C>T variant is not predicted to result in an amino acid change (p.=). This variant is predicted to alter splicing based on available splicing prediction software (SpliceAI, Jaganathan et al. 2019. PubMed ID: 30661751). However, the use of computer prediction softwares is not equivalent to functional evidence. To our knowledge, this variant has not been reported in the literature. This variant is reported in 0.0088% of alleles in individuals of European (Non-Finnish) descent in gnomAD. At this time, the clinical significance of this variant is uncertain due to the absence of conclusive functional and genetic evidence.

Labcorp Genetics (formerly Invitae), Labcorp
Classification: Likely benign for Developmental and epileptic encephalopathy, 25. Last evaluated: 2024-12-24. Review status: criteria provided, single submitter. Criteria: Invitae Variant Classification Sherloc (09022015). Collection method: clinical testing. Allele origin: germline.

Blueprint Genetics
Classification: Likely benign. Last evaluated: 2023-07-31. Review status: criteria provided, single submitter. Criteria: ACMG Guidelines, 2015. Collection method: clinical testing. Allele origin: germline.

NM_177550.5(SLC13A5):c.1248C>T (p.Gly416=)

Gene: SLC13A5 (solute carrier family 13 member 5; minus strand). Cytogenetic location: 17p13.1.
Variant type: single nucleotide variant.
Coding change: c.1248C>T on transcript NM_177550.5 (MANE Select); coding-DNA position 1248, C replaced by T.
Protein change: p.Gly416=; no amino-acid change (glycine 416 retained).
Molecular consequence: synonymous variant.
Genome position (GRCh38, 1-based): chr17:6,693,071, G>A on the plus strand (C>T on the coding strand, the complement: SLC13A5 is on the minus strand). VCF-style: chr17-6693071-G-A. GRCh37 (hg19) VCF-style: chr17-6596390-G-A.
Other names: c.1248C>T (NM_177550.4); c.1248C>T, p.Gly416= (NM_001143838.3); c.1197C>T, p.Gly399= (NM_001284509.2); c.1119C>T, p.Gly373= (NM_001284510.2).
Identifiers: ClinVar variation 1155944 (VCV001155944.11), dbSNP rs139042926, ClinGen allele CA8331453.